The following is an entry in ClinVar:

ClinVar aggregate classification (germline): Uncertain significance (1 of 4 stars; one submission).

Conditions:
Early-infantile DEE. Also called: Ohtahara syndrome; Early infantile epileptic encephalopathy; Early infantile epileptic encephalopathy with suppression bursts. Identifiers: Orphanet 1934, MedGen C0393706, MONDO:0800491.

Submission:

Labcorp Genetics (formerly Invitae), Labcorp
Classification: Uncertain significance for Early-infantile DEE. Last evaluated: 2024-05-08. Review status: criteria provided, single submitter. Criteria: Invitae Variant Classification Sherloc (09022015). Collection method: clinical testing. Allele origin: germline.
Comment: This sequence change replaces lysine, which is basic and polar, with arginine, which is basic and polar, at codon 51 of the GNAO1 protein (p.Lys51Arg). This variant is not present in population databases (gnomAD no frequency). This variant has not been reported in the literature in individuals affected with GNAO1-related conditions. Advanced modeling of protein sequence and biophysical properties (such as structural, functional, and spatial information, amino acid conservation, physicochemical variation, residue mobility, and thermodynamic stability) has been performed at Invitae for this missense variant, however the output from this modeling did not meet the statistical confidence thresholds required to predict the impact of this variant on GNAO1 protein function. In summary, the available evidence is currently insufficient to determine the role of this variant in disease. Therefore, it has been classified as a Variant of Uncertain Significance.

NM_020988.3(GNAO1):c.152A>G (p.Lys51Arg)

Gene: GNAO1 (G protein subunit alpha o1; plus strand). Cytogenetic location: 16q13.
Variant type: single nucleotide variant.
Coding change: c.152A>G on transcript NM_020988.3 (MANE Select); coding-DNA position 152, A replaced by G.
Protein change: p.Lys51Arg; replaces lysine 51 with arginine.
Molecular consequence: missense variant.
Genome position (GRCh38, 1-based): chr16:56,192,607, A>G. VCF-style: chr16-56192607-A-G. GRCh37 (hg19) VCF-style: chr16-56226519-A-G.
Other names: c.152A>G, p.Lys51Arg (NM_138736.3); short protein forms K51R.
Identifiers: ClinVar variation 3652663 (VCV003652663.2).
Genomic context (GRCh38, chr16:56,192,607, plus strand): 5'-TTTTCCCCACTGTCTGTGTCCCAACAGGGGCTGGAGAATCAGGAAAAAGCACCATTGTGA[A>G]GCAGATGAAGTAAGTCCCTGTGGCATTGGGATTCGTACTTTTATTAAGAATAATTTTTAA-3'
Protein context (NP_066268.1, residues 41-61): AGESGKSTIV[Lys51Arg]QMKIIHEDGF